The following is an entry in ClinVar:

ClinVar aggregate classification (germline): Uncertain significance (1 of 4 stars; one submission).

gnomAD v4.1: 4 of 399,376 alleles (0.001%); highest among the groups gnomAD compares: Non-Finnish European, 0.0018%; no homozygotes.

Submission:

Women's Health and Genetics/Laboratory Corporation of America, LabCorp
Classification: Uncertain significance. Last evaluated: 2024-03-14. Review status: criteria provided, single submitter. Criteria: LabCorp Variant Classification Summary - May 2015. Collection method: clinical testing. Allele origin: germline.
Comment: Variant summary: CIC c.-10560C>T is located in the untranscribed region upstream of the CIC gene region in the NM_015125 transcript, while it results in the missense change c.2362C>G (p.D479N) in NM_001304815. The frequency data for this variant in gnomAD is considered unreliable, as metrics indicate poor data quality at this position. To our knowledge, no occurrence of c.-10560C>T in individuals affected with Mental Retardation, Autosomal Dominant 45 and no experimental evidence demonstrating its impact on protein function have been reported. No submitters have cited clinical-significance assessments for this variant to ClinVar. Based on the evidence outlined above, the variant was classified as uncertain significance.

NM_001386298.1(CIC):c.2362C>T (p.Pro788Ser)

Gene: CIC (capicua transcriptional repressor; plus strand). Cytogenetic location: 19q13.2.
Variant type: single nucleotide variant.
Coding change: c.2362C>T on transcript NM_001386298.1 (MANE Select); coding-DNA position 2362, C replaced by T.
Protein change: p.Pro788Ser; replaces proline 788 with serine.
Molecular consequence: missense variant. On other transcripts: genic upstream transcript variant (1).
Genome position (GRCh38, 1-based): chr19:42,274,145, C>T. VCF-style: chr19-42274145-C-T. GRCh37 (hg19) VCF-style: chr19-42778297-C-T.
Other names: c.2362C>T, p.Pro788Ser (NM_001304815.2, NM_001379480.1, NM_001379482.1 and 1 more transcripts); c.-10560C>T (NM_015125.5); short protein forms P788S.
Identifiers: ClinVar variation 3233945 (VCV003233945.2), dbSNP rs1048537539, ClinGen allele CA308615886.